The following is an entry in ClinVar:

NM_052897.4(MBD6):c.258G>A (p.Gly86=)

Gene: MBD6 (methyl-CpG binding domain protein 6; plus strand). Cytogenetic location: 12q13.3.
Variant type: single nucleotide variant.
Coding change: c.258G>A on transcript NM_052897.4 (MANE Select); coding-DNA position 258, G replaced by A.
Protein change: p.Gly86=; no amino-acid change (glycine 86 retained).
Molecular consequence: synonymous variant.
Genome position (GRCh38, 1-based): chr12:57,524,994, G>A. VCF-style: chr12-57524994-G-A. GRCh37 (hg19) VCF-style: chr12-57918777-G-A.
Identifiers: ClinVar variation 3034309 (VCV003034309.2), dbSNP rs144558025, ClinGen allele CA6651218.
Genomic context (GRCh38, chr12:57,524,994, plus strand): 5'-CTTGCTTTCCACCTTACAGGTTTTCAACTTTGACCCTTTGGCCCCGGTGACCCCGGGTGG[G>A]GCTGGGGTGGGGCCAGCATCAGAGGAGGACATGACCAAGCTGTGCAACCACCGGCGGAAA-3'
Protein context (NP_443129.3, residues 76-96): FDPLAPVTPG[Gly86=]AGVGPASEED

ClinVar aggregate classification (germline): Likely benign (0 of 4 stars; one submission).

Conditions:
MBD6-related disorder. Also called: MBD6-related condition.

Allele frequency attached by ClinVar (database versions not stated): TOPMed 0.00005; gnomAD exomes 0.00008; ExAC 0.00011; gnomAD 0.00013; ESP Exome Variant Server 0.00015.
gnomAD v4.1: 136 of 1,609,578 alleles (0.0084%); highest among the groups gnomAD compares: Non-Finnish European, 0.0065%; no homozygotes.

Submission:

PreventionGenetics, part of Exact Sciences
Classification: Likely benign for MBD6-related condition. Last evaluated: 2019-06-07. Review status: no assertion criteria provided. Collection method: clinical testing. Allele origin: germline.
Comment: This variant is classified as likely benign based on ACMG/AMP sequence variant interpretation guidelines (Richards et al. 2015 PMID: 25741868, with internal and published modifications).